The following is an entry in ClinVar:

NM_001042432.2(CLN3):c.533+3_533+10del

Gene: CLN3 (CLN3 lysosomal/endosomal transmembrane protein, battenin; minus strand). Cytogenetic location: 16p12.1.
Variant type: Deletion.
Coding change: c.533+3_533+10del on transcript NM_001042432.2 (MANE Select); bases 3 to 10 of the intron after coding-DNA position 533, 8 bases deleted (AAGCAGGT; older notation c.533+3_533+10delAAGCAGGT).
Molecular consequence: splice donor variant.
Genome position (GRCh38, 1-based): chr16:28,486,568-28,486,575, ACCTGCTT deleted on the plus strand (AAGCAGGT on the coding strand, the reverse complement: CLN3 is on the minus strand); deleting any 8 consecutive bases within chr16:28,486,568-28,486,580 gives the same sequence; the c. name uses the placement nearest the transcript's 3' end. VCF-style (leftmost placement, unchanged base first): chr16-28486567-CACCTGCTT-C. GRCh37 (hg19) VCF-style: chr16-28497888-CACCTGCTT-C.
Other names: c.299+3_299+10del (NM_001286109.2); c.461+3_461+10del (NM_001286104.2); c.233+3_233+10del (NM_001286105.2); c.371+3_371+10del (NM_001286110.2); c.533+3_533+10del (NM_000086.2).
Identifiers: ClinVar variation 1425564 (VCV001425564.5), dbSNP rs2141712782, ClinGen allele CA2573152257.

ClinVar aggregate classification (germline): Uncertain significance (1 of 4 stars; one submission).

Conditions:
Neuronal ceroid lipofuscinosis. Also called: Neuronal Ceroid Lipofuscinoses. Identifiers: Orphanet 216, Orphanet 79263, MedGen C0027877, MONDO:0016295. Disease mechanism: loss of function.

Submission:

Labcorp Genetics (formerly Invitae), Labcorp
Classification: Uncertain significance for Neuronal ceroid lipofuscinosis. Last evaluated: 2021-12-15. Review status: criteria provided, single submitter. Criteria: Invitae Variant Classification Sherloc (09022015). Collection method: clinical testing. Allele origin: germline.
Comment: Variants that disrupt the consensus splice site are a relatively common cause of aberrant splicing (PMID: 17576681, 9536098). Algorithms developed to predict the effect of sequence changes on RNA splicing suggest that this variant may disrupt the consensus splice site. In summary, the available evidence is currently insufficient to determine the role of this variant in disease. Therefore, it has been classified as a Variant of Uncertain Significance. This variant has not been reported in the literature in individuals affected with CLN3-related conditions. This variant is not present in population databases (gnomAD no frequency). This sequence change falls in intron 8 of the CLN3 gene. It does not directly change the encoded amino acid sequence of the CLN3 protein. It affects a nucleotide within the consensus splice site.

Literature cited by the submitters: PubMed 17576681; PubMed 9536098.